The following is an entry in ClinVar:

NM_001287491.2(TET3):c.2536T>C (p.Leu846=)

Gene: TET3 (tet methylcytosine dioxygenase 3; plus strand). Cytogenetic location: 2p13.1.
Variant type: single nucleotide variant.
Coding change: c.2536T>C on transcript NM_001287491.2 (MANE Select); coding-DNA position 2536, T replaced by C.
Protein change: p.Leu846=; no amino-acid change (leucine 846 retained).
Molecular consequence: synonymous variant.
Genome position (GRCh38, 1-based): chr2:74,073,590, T>C. VCF-style: chr2-74073590-T-C. GRCh37 (hg19) VCF-style: chr2-74300717-T-C.
Other names: c.2257T>C, p.Leu753= (NM_001366022.1).
Identifiers: ClinVar variation 1226910 (VCV001226910.9), dbSNP rs7560668, ClinGen allele CA1718820.

ClinVar aggregate classification (germline): Benign. Review status: criteria provided, multiple submitters, no conflicts (2 of 4 stars). 4 submissions from 4 submitters: Benign (3). 1 of the submissions does not count toward it. Last evaluated 2021-09-10.

Conditions:
TET3-related disorder. Also called: TET3-related condition; TET3-Related Disease.
Beck-Fahrner syndrome (BEFAHRS). Identifiers: Orphanet 684216, MedGen C5394097, MONDO:0032922, OMIM 618798.

Allele frequency attached by ClinVar (database versions not stated): gnomAD exomes 0.27522 and 0.29333; ExAC 0.31774; 1000 Genomes Project 0.35962; 1000 Genomes Project 30x 0.36899; gnomAD 0.38484 and 0.39767; TOPMed 0.40448; ESP Exome Variant Server 0.41504.
gnomAD v4.1: 485,975 of 1,610,182 alleles (30%); highest among the groups gnomAD compares: African/African-American, 68%; 81,195 homozygotes.

Submissions (4):

Genome-Nilou Lab
Classification: Benign for Beck-Fahrner syndrome. Last evaluated: 2021-09-10. Review status: criteria provided, single submitter. Criteria: ACMG Guidelines, 2015. Collection method: clinical testing. Allele origin: germline. Affected: no.

GeneDx
Classification: Benign. Last evaluated: 2020-12-14. Review status: criteria provided, single submitter. Criteria: GeneDx Variant Classification Process June 2021. Collection method: clinical testing. Allele origin: germline. Affected: yes.

Breakthrough Genomics
Classification: Benign. Review status: criteria provided, single submitter. Criteria: ACMG Guidelines, 2015. Collection method: not provided. Allele origin: germline. Inheritance: Autosomal dominant inheritance. Affected: yes.

PreventionGenetics, part of Exact Sciences
Classification: Benign for TET3-related condition. Last evaluated: 2019-10-30. Review status: no assertion criteria provided. Collection method: clinical testing. Allele origin: germline. Not counted in ClinVar's aggregate classification.
Comment: This variant is classified as benign based on ACMG/AMP sequence variant interpretation guidelines (Richards et al. 2015 PMID: 25741868, with internal and published modifications).